The following is an entry in ClinVar:

ClinVar aggregate classification (germline): Uncertain significance (1 of 4 stars; one submission).

Allele frequency attached by ClinVar (database versions not stated): gnomAD 0.00001; TOPMed 0.00002; ExAC 0.00003.
gnomAD v4.1: 14 of 1,613,998 alleles (0.00087%); highest among the groups gnomAD compares: Admixed American, 0.023%; no homozygotes.

Submission:

Labcorp Genetics (formerly Invitae), Labcorp
Classification: Uncertain significance. Last evaluated: 2022-07-14. Review status: criteria provided, single submitter. Criteria: Invitae Variant Classification Sherloc (09022015). Collection method: clinical testing. Allele origin: germline.
Comment: This sequence change replaces serine, which is neutral and polar, with asparagine, which is neutral and polar, at codon 281 of the SCP2 protein (p.Ser281Asn). This variant is present in population databases (rs757589915, gnomAD 0.03%). This variant has not been reported in the literature in individuals affected with SCP2-related conditions. ClinVar contains an entry for this variant (Variation ID: 1516787). Algorithms developed to predict the effect of missense changes on protein structure and function (SIFT, PolyPhen-2, Align-GVGD) all suggest that this variant is likely to be tolerated. In summary, the available evidence is currently insufficient to determine the role of this variant in disease. Therefore, it has been classified as a Variant of Uncertain Significance.

NM_002979.5(SCP2):c.842G>A (p.Ser281Asn)

Gene: SCP2 (sterol carrier protein 2; plus strand). Cytogenetic location: 1p32.3.
Variant type: single nucleotide variant.
Coding change: c.842G>A on transcript NM_002979.5 (MANE Select); coding-DNA position 842, G replaced by A.
Protein change: p.Ser281Asn; replaces serine 281 with asparagine.
Molecular consequence: missense variant.
Genome position (GRCh38, 1-based): chr1:52,980,412, G>A. VCF-style: chr1-52980412-G-A. GRCh37 (hg19) VCF-style: chr1-53446084-G-A.
Other names: c.710G>A, p.Ser237Asn (NM_001007098.3, NM_001193600.2); c.770G>A, p.Ser257Asn (NM_001193599.2); c.599G>A, p.Ser200Asn (NM_001193617.2); c.842G>A, p.Ser281Asn (NM_001330587.2); short protein forms S257N, S200N, S237N, S281N.
Identifiers: ClinVar variation 1516787 (VCV001516787.5), dbSNP rs757589915, ClinGen allele CA857242.